The following is an entry in ClinVar:

ClinVar aggregate classification (germline): Uncertain significance (1 of 4 stars; one submission).

Conditions:
Duchenne muscular dystrophy (DMD). Also called: Duchenne Muscular Dystrophy (DMD); MUSCULAR DYSTROPHY, PSEUDOHYPERTROPHIC PROGRESSIVE, DUCHENNE TYPE. Identifiers: Orphanet 98896, MedGen C0013264, MONDO:0010679, OMIM 310200.

Submission:

Labcorp Genetics (formerly Invitae), Labcorp
Classification: Uncertain significance for Duchenne muscular dystrophy. Last evaluated: 2025-11-03. Review status: criteria provided, single submitter. Criteria: Invitae Variant Classification Sherloc (09022015). Collection method: clinical testing. Allele origin: germline.
Comment: This sequence change replaces aspartic acid, which is acidic and polar, with valine, which is neutral and non-polar, at codon 2969 of the DMD protein (p.Asp2969Val). This variant is not present in population databases (gnomAD no frequency). This variant has not been reported in the literature in individuals affected with DMD-related conditions. Invitae Evidence Modeling of protein sequence and biophysical properties (such as structural, functional, and spatial information, amino acid conservation, physicochemical variation, residue mobility, and thermodynamic stability) indicates that this missense variant is not expected to disrupt DMD protein function with a negative predictive value of 95%. In summary, the available evidence is currently insufficient to determine the role of this variant in disease. Therefore, it has been classified as a Variant of Uncertain Significance.

NM_004006.3(DMD):c.8906A>T (p.Asp2969Val)

Gene: DMD (dystrophin; minus strand). Cytogenetic location: Xp21.2.
Variant type: single nucleotide variant.
Coding change: c.8906A>T on transcript NM_004006.3 (MANE Select); coding-DNA position 8906, A replaced by T.
Protein change: p.Asp2969Val; replaces aspartic acid 2969 with valine.
Molecular consequence: missense variant.
Genome position (GRCh38, 1-based): chrX:31,478,137, T>A on the plus strand (A>T on the coding strand, the complement: DMD is on the minus strand). VCF-style: chrX-31478137-T-A. GRCh37 (hg19) VCF-style: chrX-31496254-T-A.
Other names: c.8882A>T, p.Asp2961Val (NM_000109.4); c.8894A>T, p.Asp2965Val (NM_004009.3); c.8537A>T, p.Asp2846Val (NM_004010.3); c.4883A>T, p.Asp1628Val (NM_004011.4); c.4874A>T, p.Asp1625Val (NM_004012.4); c.1526A>T, p.Asp509Val (NM_004013.3, NM_004020.4, NM_004021.3 and 2 more transcripts); c.719A>T, p.Asp240Val (NM_004014.3); short protein forms D1625V, D1628V, D240V, D2846V, D2961V, D2965V, D2969V, D509V.
Identifiers: ClinVar variation 4800943 (VCV004800943.1).